The following is an entry in ClinVar:

NC_000001.11:g.230710231G>A

Gene: AGT (angiotensinogen; minus strand). Cytogenetic location: 1q42.2.
Variant type: single nucleotide variant.
Genome position: GRCh38 VCF-style: chr1-230710231-G-A. GRCh37 (hg19) VCF-style: chr1-230845977-G-A.
Other names: NM_000029.3:c.620C>T; NM_000029.4:c.620C>T.
Identifiers: ClinVar variation 296083 (VCV000296083.18), dbSNP rs4762, ClinGen allele CA1448272.

ClinVar aggregate classification (germline): Benign/Likely benign. Review status: criteria provided, multiple submitters, no conflicts (2 of 4 stars). 6 submissions from 6 submitters: Benign (5); Likely benign (1). Last evaluated 2026-02-04.

Conditions:
Renal tubular dysgenesis. Also called: Renotubular dysgenesis. Identifiers: Orphanet 3033, MedGen C0266313, MONDO:0017609, HP:0008660.

Allele frequency attached by ClinVar (database versions not stated): 1000 Genomes Project 0.10164; 1000 Genomes Project 30x 0.10228; TOPMed 0.10266; ESP Exome Variant Server 0.10926; gnomAD 0.11089 and 0.11129; gnomAD exomes 0.12281 and 0.12420; ExAC 0.12300.
gnomAD v4.1: 196,109 of 1,613,596 alleles (12%); highest among the groups gnomAD compares: South Asian, 13%; 12,433 homozygotes.

Submissions (6):

Labcorp Genetics (formerly Invitae), Labcorp
Classification: Benign. Last evaluated: 2026-02-04. Review status: criteria provided, single submitter. Criteria: Invitae Variant Classification Sherloc (09022015). Collection method: clinical testing. Allele origin: germline.

Blueprint Genetics
Classification: Likely benign. Last evaluated: 2024-11-26. Review status: criteria provided, single submitter. Criteria: ACMG Guidelines, 2015. Collection method: clinical testing. Allele origin: germline.

Mayo Clinic Laboratories, Mayo Clinic
Classification: Benign. Last evaluated: 2023-01-30. Review status: criteria provided, single submitter. Criteria: ACMG Guidelines, 2015. Collection method: clinical testing. Allele origin: germline. Observed: 12 variant alleles.
Comment: BA1, BS2

GeneDx
Classification: Benign. Last evaluated: 2018-11-10. Review status: criteria provided, single submitter. Criteria: GeneDx Variant Classification Process June 2021. Collection method: clinical testing. Allele origin: germline. Affected: yes.
Comment: This variant is associated with the following publications: (PMID: 25966146, 1394429, 20702504, 17145981, 20854100)

Illumina Laboratory Services, Illumina
Classification: Benign for Renal tubular dysgenesis of genetic origin. Last evaluated: 2018-03-06. Review status: criteria provided, single submitter. Criteria: ICSL Variant Classification Criteria 13 December 2019. Collection method: clinical testing. Allele origin: germline.
Comment: This variant was observed in the ICSL laboratory as part of a predisposition screen in an ostensibly healthy population. It had not been previously curated by ICSL or reported in the Human Gene Mutation Database (HGMD: prior to June 1st, 2018), and was therefore a candidate for classification through an automated scoring system. Utilizing variant allele frequency, disease prevalence and penetrance estimates, and inheritance mode, an automated score was calculated to assess if this variant is too frequent to cause the disease. Based on the score and internal cut-off values, a variant classified as benign is not then subjected to further curation. The score for this variant resulted in a classification of benign for this disease.

Breakthrough Genomics
Classification: Benign. Review status: criteria provided, single submitter. Criteria: ACMG Guidelines, 2015. Collection method: not provided. Allele origin: germline. Inheritance: Multifactorial inheritance. Affected: yes.